The following is an entry in ClinVar:

NM_004260.4(RECQL4):c.1A>G (p.Met1Val)

Genes: RECQL4 (RecQ like helicase 4; minus strand), LOC130001411 (ATAC-STARR-seq lymphoblastoid silent region 19699; plus strand). Cytogenetic location: 8q24.3.
Variant type: single nucleotide variant.
Coding change: c.1A>G on transcript NM_004260.4 (MANE Select); coding-DNA position 1, A replaced by G.
Protein change: p.Met1Val; changes the start codon (methionine 1).
Molecular consequence: missense variant, initiator codon variant.
Genome position (GRCh38, 1-based): chr8:144,517,784, T>C on the plus strand (A>G on the coding strand, the complement: RECQL4 is on the minus strand). VCF-style: chr8-144517784-T-C. GRCh37 (hg19) VCF-style: chr8-145743168-T-C.
Other names: c.1A>G, p.Met1Val (NM_001413017.1, NM_001413018.1, NM_001413033.1 and 6 more transcripts); c.-1040A>G (NM_001413034.1); c.-968A>G (NM_001413035.1); c.-1136A>G (NM_001413037.1, NM_001413038.1, NM_001413042.1 and 2 more transcripts); c.-1041A>G (NM_001413040.1); c.-1198A>G (NM_001413041.1, NM_001413030.1, NM_001413031.1); c.-1405A>G (NM_001413043.1); c.-785A>G (NM_001413021.1); and 4 more; short protein forms M1V.
Identifiers: ClinVar variation 2435391 (VCV002435391.6), dbSNP rs964623569, ClinGen allele CA372694054.

ClinVar aggregate classification (germline): Uncertain significance. Review status: criteria provided, multiple submitters, no conflicts (2 of 4 stars). 2 submissions from 2 submitters: Uncertain significance (2). Last evaluated 2025-07-20.

Allele frequency attached by ClinVar (database versions not stated): gnomAD exomes below 0.00001.

Submissions (2):

Dasa
Classification: Uncertain significance. Last evaluated: 2025-07-20. Review status: criteria provided, single submitter. Criteria: DASA Assertion Criteria. Collection method: clinical testing. Allele origin: germline.
Comment: NM_004260.4(RECQL4):c.1A>G (p.Met1?) is a start-loss variant predicted to alter the translation initiation codon and impair normal protein translation. This variant is rare in population databases. The currently available literature and clinical evidence are not sufficient to establish a definitive association between this variant and the reported condition. Therefore, this variant is classified as a variant of uncertain significance.

Revvity Omics, Revvity
Classification: Uncertain significance. Last evaluated: 2022-09-19. Review status: criteria provided, single submitter. Criteria: ACMG Guidelines, 2015. Collection method: clinical testing. Allele origin: germline.